The following is an entry in ClinVar:

ClinVar aggregate classification (germline): Uncertain significance (1 of 4 stars; one submission).

Allele frequency attached by ClinVar (database versions not stated): gnomAD exomes below 0.00001; TOPMed below 0.00001.
gnomAD v4.1: 3 of 1,602,852 alleles (0.00019%); highest among the groups gnomAD compares: Non-Finnish European, 0.00026%; no homozygotes.

Submission:

GeneDx
Classification: Uncertain significance. Last evaluated: 2025-10-08. Review status: criteria provided, single submitter. Criteria: GeneDx Variant Classification Process June 2021. Collection method: clinical testing. Allele origin: germline.
Comment: Not observed at significant frequency in large population cohorts (gnomAD); In silico analysis supports that this missense variant has a deleterious effect on protein structure/function; Has not been previously published as pathogenic or benign to our knowledge

NM_198076.6(COX20):c.67G>A (p.Asp23Asn)

Gene: COX20 (cytochrome c oxidase assembly factor COX20; plus strand). Cytogenetic location: 1q44.
Variant type: single nucleotide variant.
Coding change: c.67G>A on transcript NM_198076.6 (MANE Select); coding-DNA position 67, G replaced by A.
Protein change: p.Asp23Asn; replaces aspartic acid 23 with asparagine.
Molecular consequence: missense variant. On other transcripts: non-coding transcript variant (1), intron variant (1).
Genome position (GRCh38, 1-based): chr1:244,841,968, G>A. VCF-style: chr1-244841968-G-A. GRCh37 (hg19) VCF-style: chr1-245005270-G-A.
Other names: c.67G>A, p.Asp23Asn (NM_001312871.1, NM_001312874.1); c.103G>A, p.Asp35Asn (NM_001312872.1); c.23-227G>A (NM_001312873.1); short protein forms D23N, D35N.
Identifiers: ClinVar variation 3252864 (VCV003252864.2), dbSNP rs1208640276.